The following is an entry in ClinVar:

ClinVar aggregate classification (germline): Pathogenic (1 of 4 stars; one submission).

Submission:

Labcorp Genetics (formerly Invitae), Labcorp
Classification: Pathogenic. Last evaluated: 2025-10-31. Review status: criteria provided, single submitter. Criteria: Invitae Variant Classification Sherloc (09022015). Collection method: clinical testing. Allele origin: germline.
Comment: This sequence change creates a premature translational stop signal (p.Arg1078Leufs*6) in the TRIOBP gene. It is expected to result in an absent or disrupted protein product. Loss-of-function variants in TRIOBP are known to be pathogenic (PMID: 16385457, 16385458, 20510926). This variant is not present in population databases (gnomAD no frequency). This variant has not been reported in the literature in individuals affected with TRIOBP-related conditions. For these reasons, this variant has been classified as Pathogenic.

Literature cited by the submitters: PubMed 16385457; PubMed 16385458; PubMed 20510926.

NM_001039141.3(TRIOBP):c.3232_3233insT (p.Arg1078fs)

Gene: TRIOBP (TRIO and F-actin binding protein; plus strand). Cytogenetic location: 22q13.1.
Variant type: Insertion.
Coding change: c.3232_3233insT on transcript NM_001039141.3 (MANE Select); coding-DNA positions 3232 to 3233, T inserted.
Protein change: p.Arg1078fs; shifts the reading frame from arginine 1078.
Molecular consequence: frameshift variant.
Genome position: GRCh38 VCF-style: chr22-37725788-C-CT. GRCh37 (hg19) VCF-style: chr22-38121795-C-CT.
Other names: short protein forms R1078fs.
Identifiers: ClinVar variation 4695676 (VCV004695676.1).